The following is an entry in ClinVar:

NM_000179.3(MSH6):c.4064_*23dup (p.Leu1354_Ter1361=)

Gene: MSH6 (mutS homolog 6; plus strand). Cytogenetic location: 2p16.3.
Variant type: Duplication.
Coding change: c.4064_*23dup on transcript NM_000179.3 (MANE Select); coding-DNA position 4064 through 23 bases downstream of the stop codon, 43 bases duplicated.
Protein change: p.Leu1354_Ter1361=.
Molecular consequence: no sequence alteration. On other transcripts: 3 prime UTR variant (5), non-coding transcript variant (5).
Genome position (GRCh38, 1-based): chr2:47,806,841-47,806,883, 43 bases duplicated; duplicating any 43 consecutive bases within chr2:47,806,838-47,806,883 gives the same sequence; the c. name uses the placement nearest the transcript's 3' end. GRCh37 (hg19): chr2:48,033,980-48,034,022.
Other names: c.3674_*23dup, p.Leu1224_Ter1231= (NM_001281492.2); c.3158_*23dup, p.Leu1052_Ter1059= (NM_001281493.2, NM_001281494.2, NM_001406811.1 and 6 more transcripts); c.4160_*23dup, p.Leu1386_Ter1393= (NM_001406795.1); c.4064_*23dup, p.Leu1354_Ter1361= (NM_001406796.1, NM_001406809.1); c.3767_*23dup, p.Leu1255_Ter1262= (NM_001406797.1, NM_001406805.1, NM_001406818.1 and 8 more transcripts); c.3890_*23dup, p.Leu1296_Ter1303= (NM_001406798.1); c.3539_*23dup, p.Leu1179_Ter1186= (NM_001406799.1, NM_001406806.1, NM_001406807.1); c.*85_*127dup (NM_001406800.1); and 9 more.
Identifiers: ClinVar variation 925575 (VCV000925575.11), dbSNP rs760782238, ClinGen allele CA072844.

ClinVar aggregate classification (germline): Conflicting classifications of pathogenicity. Review status: criteria provided, conflicting classifications (1 of 4 stars). 5 submissions from 5 submitters: Uncertain significance (1); Likely benign (4). Last evaluated 2025-11-17.

Conditions:
Hereditary nonpolyposis colorectal neoplasms. Identifiers: MedGen C0009405, MeSH D003123.
Hereditary cancer-predisposing syndrome. Also called: Neoplastic Syndromes, Hereditary; Tumor predisposition; Hereditary Cancer Syndrome; Hereditary neoplastic syndrome. Identifiers: Orphanet 140162, MedGen C0027672, MeSH D009386, MONDO:0015356.

Submissions (5):

Labcorp Genetics (formerly Invitae), Labcorp
Classification: Likely benign for Hereditary nonpolyposis colorectal neoplasms. Last evaluated: 2025-11-17. Review status: criteria provided, single submitter. Criteria: Invitae Variant Classification Sherloc (09022015). Collection method: clinical testing. Allele origin: germline.

Quest Diagnostics Nichols Institute San Juan Capistrano
Classification: Uncertain significance. Last evaluated: 2025-08-11. Review status: criteria provided, single submitter. Criteria: Quest Diagnostics criteria. Collection method: clinical testing. Allele origin: unknown.
Comment: The MSH6 c.4064_*23dup variant has not been reported in individuals with MSH6-related conditions in the published literature. The frequency of this variant in the general population (Genome Aggregation Database) is higher than would generally be expected for pathogenic variants in this gene. Analysis of this variant using software algorithms for the prediction of the effect of nucleotide changes on splicing yielded predictions that this variant does not affect MSH6 mRNA splicing. Based on the available information, we are unable to determine the clinical significance of this variant.

Center for Genomic Medicine, Rigshospitalet, Copenhagen University Hospital
Classification: Likely benign. Last evaluated: 2025-03-04. Review status: criteria provided, single submitter. Criteria: ACMG Guidelines, 2015. Collection method: clinical testing. Allele origin: germline.
Comment: Classification criteria: BS1

GeneDx
Classification: Likely benign. Last evaluated: 2019-12-02. Review status: criteria provided, single submitter. Criteria: GeneDx Variant Classification Process June 2021. Collection method: clinical testing. Allele origin: germline. Affected: yes.

Color Diagnostics, LLC DBA Color Health
Classification: Likely benign for Hereditary cancer-predisposing syndrome. Last evaluated: 2016-04-26. Review status: criteria provided, single submitter. Criteria: ACMG Guidelines, 2015. Collection method: clinical testing. Allele origin: germline.